The following is an entry in ClinVar:

ClinVar aggregate classification (germline): Uncertain significance (1 of 4 stars; one submission).

Conditions:
ADCY3-related disorder. Also called: ADCY3-related condition.

gnomAD v4.1: 1 of 1,614,058 alleles (0.000062%); highest among the groups gnomAD compares: Non-Finnish European, 0.000085%; no homozygotes.

Submission:

PreventionGenetics, part of Exact Sciences
Classification: Uncertain significance for ADCY3-related condition. Last evaluated: 2026-07-28. Review status: criteria provided, single submitter. Criteria: ACMG Guidelines, 2015. Collection method: clinical testing. Allele origin: germline.
Comment: The ADCY3 c.1553C>T variant is predicted to result in the amino acid substitution p.Pro518Leu. To our knowledge, this variant has not been reported in the literature or in a large population database (gnomAD), indicating this variant is rare. At this time, the clinical significance of this variant is uncertain due to the absence of conclusive functional and genetic evidence.

NM_004036.5(ADCY3):c.1553C>T (p.Pro518Leu)

Gene: ADCY3 (adenylate cyclase 3; minus strand). Cytogenetic location: 2p23.3.
Variant type: single nucleotide variant.
Coding change: c.1553C>T on transcript NM_004036.5 (MANE Select); coding-DNA position 1553, C replaced by T.
Protein change: p.Pro518Leu; replaces proline 518 with leucine.
Molecular consequence: missense variant.
Genome position (GRCh38, 1-based): chr2:24,837,026, G>A on the plus strand (C>T on the coding strand, the complement: ADCY3 is on the minus strand). VCF-style: chr2-24837026-G-A. GRCh37 (hg19) VCF-style: chr2-25059895-G-A.
Other names: c.1553C>T, p.Pro518Leu (NM_001320613.2, NM_001377129.1, NM_001377130.1 and 1 more transcripts); c.1619C>T, p.Pro540Leu (NM_001377128.1); c.830C>T, p.Pro277Leu (NM_001377131.1); short protein forms P540L, P277L, P518L.
Identifiers: ClinVar variation 4991549 (VCV004991549.1).